The following is an entry in ClinVar:

ClinVar aggregate classification (germline): Uncertain significance (1 of 4 stars; one submission).

Conditions:
Charcot-Marie-Tooth disease axonal type 2O. Also called: CHARCOT-MARIE-TOOTH NEUROPATHY, AXONAL, TYPE 2O; CHARCOT-MARIE-TOOTH DISEASE, AXONAL, AUTOSOMAL DOMINANT, TYPE 2O; Charcot-Marie-Tooth Neuropathy Type 2O; Charcot-Marie-Tooth disease, axonal, type 20. Identifiers: Orphanet 284232, MedGen C3280220, MONDO:0013644, OMIM 614228.

Submission:

Labcorp Genetics (formerly Invitae), Labcorp
Classification: Uncertain significance for Charcot-Marie-Tooth disease axonal type 2O. Last evaluated: 2025-09-02. Review status: criteria provided, single submitter. Criteria: Invitae Variant Classification Sherloc (09022015). Collection method: clinical testing. Allele origin: germline.
Comment: This sequence change replaces tyrosine, which is neutral and polar, with cysteine, which is neutral and slightly polar, at codon 3183 of the DYNC1H1 protein (p.Tyr3183Cys). This variant is not present in population databases (gnomAD no frequency). This variant has not been reported in the literature in individuals affected with DYNC1H1-related conditions. Invitae Evidence Modeling of protein sequence and biophysical properties (such as structural, functional, and spatial information, amino acid conservation, physicochemical variation, residue mobility, and thermodynamic stability) indicates that this missense variant is expected to disrupt DYNC1H1 protein function with a positive predictive value of 95%. In summary, the available evidence is currently insufficient to determine the role of this variant in disease. Therefore, it has been classified as a Variant of Uncertain Significance.

NM_001376.5(DYNC1H1):c.9548A>G (p.Tyr3183Cys)

Gene: DYNC1H1 (dynein cytoplasmic 1 heavy chain 1; plus strand). Cytogenetic location: 14q32.31.
Variant type: single nucleotide variant.
Coding change: c.9548A>G on transcript NM_001376.5 (MANE Select); coding-DNA position 9548, A replaced by G.
Protein change: p.Tyr3183Cys; replaces tyrosine 3183 with cysteine.
Molecular consequence: missense variant.
Genome position (GRCh38, 1-based): chr14:102,029,618, A>G. VCF-style: chr14-102029618-A-G. GRCh37 (hg19) VCF-style: chr14-102495955-A-G.
Other names: short protein forms Y3183C.
Identifiers: ClinVar variation 4696688 (VCV004696688.1).
Genomic context (GRCh38, chr14:102,029,618, plus strand): 5'-AGCGAGGCGGCAGAACGATGGCCATCACCCCTCGCCACTACCTGGACTTCATCAATCACT[A>G]TGCCAACCTGTTCCACGAGAAGCGGAGCGAGCTGGAGGAGCAGCAGATGCACTTGAACGT-3'
Protein context (NP_001367.2, residues 3173-3193): PRHYLDFINH[Tyr3183Cys]ANLFHEKRSE